The following is an entry in ClinVar:

NM_001267550.2(TTN):c.57664G>A (p.Glu19222Lys)

Genes: TTN (titin; minus strand), TTN-AS1 (TTN antisense RNA 1; plus strand). Cytogenetic location: 2q31.2.
Variant type: single nucleotide variant.
Coding change: c.57664G>A on transcript NM_001267550.2 (MANE Select); coding-DNA position 57664, G replaced by A.
Protein change: p.Glu19222Lys; replaces glutamic acid 19222 with lysine.
Molecular consequence: missense variant.
Genome position (GRCh38, 1-based): chr2:178,595,690, C>T on the plus strand (G>A on the coding strand, the complement: TTN is on the minus strand). VCF-style: chr2-178595690-C-T. GRCh37 (hg19) VCF-style: chr2-179460417-C-T.
Other names: c.52741G>A, p.Glu17581Lys (NM_001256850.1); c.30469G>A, p.Glu10157Lys (NM_003319.4); c.49960G>A, p.Glu16654Lys (NM_133378.4); c.30844G>A, p.Glu10282Lys (NM_133432.3); c.31045G>A, p.Glu10349Lys (NM_133437.4); short protein forms E10157K, E10282K, E10349K, E16654K, E17581K, E19222K.
Identifiers: ClinVar variation 928768 (VCV000928768.1), dbSNP rs2051376296, ClinGen allele CA349515837.

ClinVar aggregate classification (germline): Uncertain significance (1 of 4 stars; one submission).

Allele frequency attached by ClinVar (database versions not stated): gnomAD exomes below 0.00001.
gnomAD v4.1: 1 of 1,608,632 alleles (0.000062%); highest among the groups gnomAD compares: Non-Finnish European, 0.000085%; no homozygotes.

Submission:

Women's Health and Genetics/Laboratory Corporation of America, LabCorp
Classification: Uncertain significance. Last evaluated: 2019-11-18. Review status: criteria provided, single submitter. Criteria: LabCorp Variant Classification Summary - May 2015. Collection method: clinical testing. Allele origin: germline.
Comment: Variant summary: TTN c.49960G>A (p.Glu16654Lys) results in a conservative amino acid change located in the A-band region of the encoded protein sequence. Three of five in-silico tools predict a benign effect of the variant on protein function. The variant was absent in 240444 control chromosomes. The available data on variant occurrences in the general population are insufficient to allow any conclusion about variant significance. To our knowledge, no occurrence of c.49960G>A in individuals affected with Cardiomyopathy and no experimental evidence demonstrating its impact on protein function have been reported. No clinical diagnostic laboratories have submitted clinical-significance assessments for this variant to ClinVar after 2014. Based on the evidence outlined above, the variant was classified as uncertain significance.